The following is an entry in ClinVar:

NM_000329.3(RPE65):c.432_433insTGTCTCTTATACA (p.Ala145fs)

Gene: RPE65 (retinoid isomerohydrolase RPE65; minus strand). Cytogenetic location: 1p31.3.
Variant type: Insertion.
Coding change: c.432_433insTGTCTCTTATACA on transcript NM_000329.3 (MANE Select); coding-DNA positions 432 to 433, TGTCTCTTATACA inserted.
Protein change: p.Ala145fs; shifts the reading frame from alanine 145.
Molecular consequence: frameshift variant.
Genome position: GRCh38 VCF-style: chr1-68444593-C-CTGTATAAGAGACA. GRCh37 (hg19) VCF-style: chr1-68910276-C-CTGTATAAGAGACA.
Other names: c.324_325insTGTCTCTTATACA, p.Ala109fs (NM_001406853.1); c.156_157insTGTCTCTTATACA, p.Ala53fs (NM_001406856.1, NM_001406857.1); c.432_433insTGTCTCTTATACA, p.Ala145fs (NM_001406859.1, NM_001406860.1); short protein forms A109fs, A145fs, A53fs.
Identifiers: ClinVar variation 5011514 (VCV005011514.1).

ClinVar aggregate classification (germline): Pathogenic (1 of 4 stars; one submission).

Conditions:
RPE65-related recessive retinopathy. Also called: Recessive RPE65 retinopathy. Identifiers: MedGen CN305526, MONDO:0100368.

Submission:

Myriad Genetics, Inc.
Classification: Pathogenic for RPE65-related recessive retinopathy. Last evaluated: 2023-09-02. Review status: criteria provided, single submitter. Criteria: Myriad Autosomal Dominant, Autosomal Recessive and X-Linked Classification Criteria (2023). Collection method: clinical testing. Allele origin: unknown.
Comment: NM_000329.2(RPE65):c.432_433ins13(A145Cfs*16) is expected to be pathogenic in the context of inherited retinal dystrophy, RPE65-related. This variant is predicted to lead to an abnormal or absent protein product due to the creation of a premature termination codon in RPE65, a gene where loss-of-function variants are known to be pathogenic. Please note: this variant was assessed in the context of healthy population screening.